The following is an entry in ClinVar:

NM_004415.4(DSP):c.6067G>C (p.Ala2023Pro)

Gene: DSP (desmoplakin; plus strand). Cytogenetic location: 6p24.3.
Variant type: single nucleotide variant.
Coding change: c.6067G>C on transcript NM_004415.4 (MANE Select); coding-DNA position 6067, G replaced by C.
Protein change: p.Ala2023Pro; replaces alanine 2023 with proline.
Molecular consequence: missense variant.
Genome position (GRCh38, 1-based): chr6:7,583,329, G>C. VCF-style: chr6-7583329-G-C. GRCh37 (hg19) VCF-style: chr6-7583562-G-C.
Other names: c.4270G>C, p.Ala1424Pro (NM_001008844.3); c.4738G>C, p.Ala1580Pro (NM_001319034.2); short protein forms A1424P, A1580P, A2023P.
Identifiers: ClinVar variation 1054459 (VCV001054459.9), dbSNP rs776533737, ClinGen allele CA362690009.

ClinVar aggregate classification (germline): Uncertain significance (1 of 4 stars; one submission).

Conditions:
Arrhythmogenic cardiomyopathy with wooly hair and keratoderma. Also called: Carvajal syndrome; Dilated cardiomyopathy with woolly hair and keratoderma; Arrhythmogenic cardiomyopathy with woolly hair and keratoderma; PALMOPLANTAR KERATODERMA WITH LEFT VENTRICULAR CARDIOMYOPATHY AND WOOLLY HAIR. Identifiers: Orphanet 65282, MedGen C1854063, MONDO:0011581, OMIM 605676.
Arrhythmogenic right ventricular dysplasia 8 (ARVD8). Also called: Arrhythmogenic Right Ventricular Dysplasia/Cardiomyopathy 8; ARRHYTHMOGENIC RIGHT VENTRICULAR DYSPLASIA, FAMILIAL, 8; ARRHYTHMOGENIC RIGHT VENTRICULAR CARDIOMYOPATHY 8. Identifiers: MedGen C1843896, MONDO:0011831, OMIM 607450.

Allele frequency attached by ClinVar (database versions not stated): gnomAD exomes below 0.00001; gnomAD 0.00001.
gnomAD v4.1: 2 of 1,614,204 alleles (0.00012%); highest among the groups gnomAD compares: Non-Finnish European, 0.00017%; no homozygotes.

Submission:

Labcorp Genetics (formerly Invitae), Labcorp
Classification: Uncertain significance for Arrhythmogenic cardiomyopathy with wooly hair and keratoderma; Arrhythmogenic right ventricular dysplasia 8. Last evaluated: 2020-07-01. Review status: criteria provided, single submitter. Criteria: Invitae Variant Classification Sherloc (09022015). Collection method: clinical testing. Allele origin: germline.
Comment: In summary, the available evidence is currently insufficient to determine the role of this variant in disease. Therefore, it has been classified as a Variant of Uncertain Significance. Algorithms developed to predict the effect of missense changes on protein structure and function do not agree on the potential impact of this missense change (SIFT: "Deleterious"; PolyPhen-2: "Benign"; Align-GVGD: "Class C0"). This variant has not been reported in the literature in individuals with DSP-related disease. This variant is not present in population databases (ExAC no frequency). This sequence change replaces alanine with proline at codon 2023 of the DSP protein (p.Ala2023Pro). The alanine residue is highly conserved and there is a small physicochemical difference between alanine and proline.